The following is an entry in ClinVar:

ClinVar aggregate classification (germline): Benign/Likely benign. Review status: criteria provided, multiple submitters, no conflicts (2 of 4 stars). 3 submissions from 3 submitters: Benign (1); Likely benign (2). Last evaluated 2026-01-25.

Conditions:
Mitochondrial complex II deficiency, nuclear type 1. Also called: SUCCINATE CoQ REDUCTASE DEFICIENCY. Identifiers: Orphanet 3208, MedGen C5700310, MONDO:0100294, OMIM 252011.
Pheochromocytoma/paraganglioma syndrome 5. Also called: Paragangliomas 5; SDHA-Related Hereditary Paraganglioma-Pheochromocytoma Syndrome. Identifiers: Orphanet 29072, MedGen C3279992, MONDO:0013602, OMIM 614165.
Hereditary cancer-predisposing syndrome. Also called: Hereditary Cancer Syndrome; Neoplastic Syndromes, Hereditary; Tumor predisposition; Hereditary neoplastic syndrome. Identifiers: Orphanet 140162, MedGen C0027672, MeSH D009386, MONDO:0015356.

Allele frequency attached by ClinVar (database versions not stated): gnomAD exomes below 0.00001 and 0.00001; ExAC 0.00001; TOPMed 0.00002.
gnomAD v4.1: 8 of 1,613,418 alleles (0.0005%); highest among the groups gnomAD compares: African/African-American, 0.011%; no homozygotes.

Submissions (3):

Labcorp Genetics (formerly Invitae), Labcorp
Classification: Likely benign for Pheochromocytoma/paraganglioma syndrome 5; Mitochondrial complex II deficiency, nuclear type 1. Last evaluated: 2026-01-25. Review status: criteria provided, single submitter. Criteria: Invitae Variant Classification Sherloc (09022015). Collection method: clinical testing. Allele origin: germline.

Myriad Genetics, Inc.
Classification: Benign for Pheochromocytoma/paraganglioma syndrome 5. Last evaluated: 2025-02-28. Review status: criteria provided, single submitter. Criteria: Myriad Autosomal Dominant, Autosomal Recessive and X-Linked Classification Criteria (2023). Collection method: clinical testing. Allele origin: unknown.
Comment: This variant is considered benign. This variant is a silent/synonymous amino acid change and it is not expected to impact splicing.

Ambry Genetics
Classification: Likely benign for Hereditary cancer-predisposing syndrome. Last evaluated: 2020-10-26. Review status: criteria provided, single submitter. Criteria: Ambry Variant Classification Scheme 2023. Collection method: clinical testing. Allele origin: germline.

NM_004168.4(SDHA):c.252G>T (p.Gly84=)

Gene: SDHA (succinate dehydrogenase complex flavoprotein subunit A; plus strand). Cytogenetic location: 5p15.33.
Variant type: single nucleotide variant.
Coding change: c.252G>T on transcript NM_004168.4 (MANE Select); coding-DNA position 252, G replaced by T.
Protein change: p.Gly84=; no amino-acid change (glycine 84 retained).
Molecular consequence: synonymous variant.
Genome position (GRCh38, 1-based): chr5:224,461, G>T. VCF-style: chr5-224461-G-T. GRCh37 (hg19) VCF-style: chr5-224576-G-T.
Other names: c.252G>T, p.Gly84= (NM_001294332.2, NM_001330758.2).
Identifiers: ClinVar variation 968070 (VCV000968070.11), dbSNP rs753293451, ClinGen allele CA3172757.